The following is an entry in ClinVar:

ClinVar aggregate classification (germline): Uncertain significance (1 of 4 stars; one submission).

gnomAD v4.1: 6 of 1,614,008 alleles (0.00037%); highest among the groups gnomAD compares: East Asian, 0.0022%; no homozygotes.

Submission:

Labcorp Genetics (formerly Invitae), Labcorp
Classification: Uncertain significance. Last evaluated: 2025-08-18. Review status: criteria provided, single submitter. Criteria: Invitae Variant Classification Sherloc (09022015). Collection method: clinical testing. Allele origin: germline.
Comment: This sequence change replaces valine, which is neutral and non-polar, with isoleucine, which is neutral and non-polar, at codon 359 of the ARCN1 protein (p.Val359Ile). This variant is present in population databases (rs782524829, gnomAD 0.005%). This variant has not been reported in the literature in individuals affected with ARCN1-related conditions. An algorithm developed to predict the effect of missense changes on protein structure and function (PolyPhen-2) suggests that this variant is likely to be tolerated. In summary, the available evidence is currently insufficient to determine the role of this variant in disease. Therefore, it has been classified as a Variant of Uncertain Significance.

NM_001655.5(ARCN1):c.1075G>A (p.Val359Ile)

Gene: ARCN1 (archain 1 coat protein complex I subunit delta; plus strand). Cytogenetic location: 11q23.3.
Variant type: single nucleotide variant.
Coding change: c.1075G>A on transcript NM_001655.5 (MANE Select); coding-DNA position 1075, G replaced by A.
Protein change: p.Val359Ile; replaces valine 359 with isoleucine.
Molecular consequence: missense variant. On other transcripts: non-coding transcript variant (1).
Genome position (GRCh38, 1-based): chr11:118,592,799, G>A. VCF-style: chr11-118592799-G-A. GRCh37 (hg19) VCF-style: chr11-118463514-G-A.
Other names: c.811G>A, p.Val271Ile (NM_001142281.2, NM_001425081.1); c.1075G>A, p.Val359Ile (NM_001425073.1, NM_001425078.1); c.1072G>A, p.Val358Ile (NM_001425074.1, NM_001425079.1); c.1018G>A, p.Val340Ile (NM_001425075.1); c.1006G>A, p.Val336Ile (NM_001425076.1); c.910G>A, p.Val304Ile (NM_001425077.1); c.631G>A, p.Val211Ile (NM_001425080.1); short protein forms V271I, V358I, V359I, V340I, V211I, V336I, V304I.
Identifiers: ClinVar variation 4692154 (VCV004692154.1).